The following is an entry in ClinVar:

NM_152419.3(HGSNAT):c.302C>T (p.Ala101Val)

Gene: HGSNAT (heparan-alpha-glucosaminide N-acetyltransferase; plus strand). Cytogenetic location: 8p11.21.
Variant type: single nucleotide variant.
Coding change: c.302C>T on transcript NM_152419.3 (MANE Select); coding-DNA position 302, C replaced by T.
Protein change: p.Ala101Val; replaces alanine 101 with valine.
Molecular consequence: missense variant. On other transcripts: 5 prime UTR variant (1).
Genome position (GRCh38, 1-based): chr8:43,158,642, C>T. VCF-style: chr8-43158642-C-T. GRCh37 (hg19) VCF-style: chr8-43013785-C-T.
Other names: c.302C>T, p.Ala101Val (NM_001363227.2, NM_001363228.2); c.-532C>T (NM_001363229.2); short protein forms A101V.
Identifiers: ClinVar variation 2140638 (VCV002140638.2), dbSNP rs779516482, ClinGen allele CA4736477.

ClinVar aggregate classification (germline): Conflicting classifications of pathogenicity. Review status: criteria provided, conflicting classifications (1 of 4 stars). 2 submissions from 2 submitters: Uncertain significance (1); Likely benign (1). Last evaluated 2024-02-13.

Conditions:
Mucopolysaccharidosis, MPS-III-C (MPS3C). Also called: SANFILIPPO SYNDROME C; MPS III C; mucopolysaccharidosis type 3C; MUCOPOLYSACCHARIDOSIS, TYPE IIIC; MPS IIIC (Sanfilippo Syndrome Type C); Mucopolysaccharidosis type IIIC (Sanfilippo C). Identifiers: Orphanet 581, Orphanet 79271, MedGen C0086649, MONDO:0009657, OMIM 252930.
Retinitis pigmentosa 73 (RP73). Identifiers: Orphanet 791, MedGen C4225287, MONDO:0014687, OMIM 616544.

Allele frequency attached by ClinVar (database versions not stated): ExAC 0.00001; TOPMed 0.00005; gnomAD 0.00004; gnomAD exomes 0.00002.
gnomAD v4.1: 34 of 1,613,618 alleles (0.0021%); highest among the groups gnomAD compares: Admixed American, 0.0067%; no homozygotes.

Submissions (2):

Blueprint Genetics
Classification: Likely benign. Last evaluated: 2024-02-13. Review status: criteria provided, single submitter. Criteria: ACMG Guidelines, 2015. Collection method: clinical testing. Allele origin: germline.

Labcorp Genetics (formerly Invitae), Labcorp
Classification: Uncertain significance for Retinitis pigmentosa 73; Mucopolysaccharidosis, MPS-III-C. Last evaluated: 2022-06-02. Review status: criteria provided, single submitter. Criteria: Invitae Variant Classification Sherloc (09022015). Collection method: clinical testing. Allele origin: germline.
Comment: This sequence change replaces alanine, which is neutral and non-polar, with valine, which is neutral and non-polar, at codon 101 of the HGSNAT protein (p.Ala101Val). This variant is present in population databases (rs779516482, gnomAD 0.003%). This variant has not been reported in the literature in individuals affected with HGSNAT-related conditions. Advanced modeling of protein sequence and biophysical properties (such as structural, functional, and spatial information, amino acid conservation, physicochemical variation, residue mobility, and thermodynamic stability) performed at Invitae indicates that this missense variant is not expected to disrupt HGSNAT protein function. In summary, the available evidence is currently insufficient to determine the role of this variant in disease. Therefore, it has been classified as a Variant of Uncertain Significance.